The following continues an entry in ClinVar:

NM_007294.4(BRCA1):c.140G>T (p.Cys47Phe)

Gene: BRCA1. ClinVar aggregate classification (germline): Pathogenic/Likely pathogenic. Pathogenic (6); Likely pathogenic (4).

Submissions 8 to 14 of 14:

Centro de Genética y Biología Molecular, Universidad de San Martín de Porres
Classification: Likely pathogenic for Breast-ovarian cancer, familial, susceptibility to, 1. Last evaluated: 2016-06-06. Review status: criteria provided, single submitter. Criteria: Population based study. Collection method: clinical testing. Allele origin: germline. Inheritance: Autosomal dominant inheritance. Affected: yes. Observed: 1 variant allele, 1 compound heterozygote. Study: Mutational analysis of BRCA1 and BRCA2 genes in peruvian families with hereditary breast and ovarian cancer.
Comment: No present in population-based study (100 controls)

Consortium of Investigators of Modifiers of BRCA1/2 (CIMBA), c/o University of Cambridge
Classification: Pathogenic for Breast-ovarian cancer, familial, susceptibility to, 1. Last evaluated: 2015-10-02. Review status: criteria provided, single submitter. Criteria: CIMBA Mutation Classification guidelines May 2016. Collection method: clinical testing. Allele origin: germline.

Department of Medical Genetics, Oslo University Hospital
Classification: Likely pathogenic for Breast-ovarian cancer, familial, susceptibility to, 1. Last evaluated: 2015-07-01. Review status: criteria provided, single submitter. Criteria: ACMG Guidelines, 2015. Collection method: clinical testing. Allele origin: germline. Affected: yes. Observed: 1 variant allele.

Department of Medical Genetics, University Hospital of North Norway
Classification: Likely pathogenic for Breast-ovarian cancer, familial, susceptibility to, 1. Last evaluated: 2016-05-01. Review status: no assertion criteria provided. Collection method: clinical testing. Allele origin: germline. Affected: no. Observed: 1 variant allele. Not counted in ClinVar's aggregate classification.

Breast Cancer Information Core (BIC) (BRCA1)
Classification: Uncertain significance for Breast-ovarian cancer, familial 1. Last evaluated: 2004-02-20. Review status: no assertion criteria provided. Collection method: clinical testing. Allele origin: germline. Affected: yes. Observed: 2 variant alleles. Not counted in ClinVar's aggregate classification.

Brotman Baty Institute, University of Washington
No classification provided (evidence only). Condition: Breast-ovarian cancer, familial 1. Review status: no classification provided. Collection method: in vitro. Allele origin: not applicable. Functional consequence: functionally_abnormal. Not counted in ClinVar's aggregate classification.
ClinVar note: "not provided" was previously submitted as the classification for the variant. However, the classification appeared to be based only on an observation of functional data so it was converted to no classification on 2025-07-30.

Center for Precision Medicine, Meizhou People's Hospital
Classification: Likely pathogenic for Familial cancer of breast. Review status: no assertion criteria provided. Collection method: literature only. Allele origin: germline. Affected: yes. Not counted in ClinVar's aggregate classification.

Literature cited by the submitters: PubMed 34072659 (cited by 4 submitters); PubMed 30209399 (cited by 5 submitters); PubMed 12698193 (cited by 5 submitters); PubMed 15887246 (cited by 5 submitters); PubMed 27495310 (cited by 7 submitters); PubMed 29339979 (cited by Labcorp Genetics (formerly Invitae), Labcorp and Quest Diagnostics Nichols Institute San Juan Capistrano); PubMed 29446198 (cited by 4 submitters); PubMed 32341426 (cited by 4 submitters); PubMed 21922593 (cited by 5 submitters); PubMed 25823446 (cited by 5 submitters); PubMed 12360411 (cited by Labcorp Genetics (formerly Invitae), Labcorp); PubMed 22762150 (cited by Labcorp Genetics (formerly Invitae), Labcorp); PubMed 22843421 (cited by Labcorp Genetics (formerly Invitae), Labcorp); PubMed 31131967 (cited by Labcorp Genetics (formerly Invitae), Labcorp); PubMed 28944232 (cited by 4 submitters); PubMed 27272900 (cited by 4 submitters); PubMed 38709234 (cited by Quest Diagnostics Nichols Institute San Juan Capistrano); PubMed 35300142 (cited by Quest Diagnostics Nichols Institute San Juan Capistrano); PubMed 22505045 (cited by 3 submitters); PubMed 26295337 (cited by Quest Diagnostics Nichols Institute San Juan Capistrano); PubMed 34403063 (cited by Women's Health and Genetics/Laboratory Corporation of America, LabCorp); PubMed 15235020 (cited by Ambry Genetics); PubMed 16905680 (cited by Ambry Genetics); PubMed 24549055 (cited by Ambry Genetics).